The following is an entry in ClinVar:

NM_012254.3(SLC27A5):c.1827G>A (p.Gly609=)

Gene: SLC27A5 (solute carrier family 27 member 5; minus strand). Cytogenetic location: 19q13.43.
Variant type: single nucleotide variant.
Coding change: c.1827G>A on transcript NM_012254.3 (MANE Select); coding-DNA position 1827, G replaced by A.
Protein change: p.Gly609=; no amino-acid change (glycine 609 retained).
Molecular consequence: synonymous variant.
Genome position (GRCh38, 1-based): chr19:58,498,854, C>T on the plus strand (G>A on the coding strand, the complement: SLC27A5 is on the minus strand). VCF-style: chr19-58498854-C-T. GRCh37 (hg19) VCF-style: chr19-59010221-C-T.
Other names: c.1575G>A, p.Gly525= (NM_001321196.2); c.1827G>A (NM_012254.2).
Identifiers: ClinVar variation 598169 (VCV000598169.7), dbSNP rs143397900, ClinGen allele CA9717803.

ClinVar aggregate classification (germline): Uncertain significance. Review status: criteria provided, single submitter (1 of 4 stars). 2 submissions from 2 submitters: Uncertain significance (1). 1 of the submissions does not count toward it. Last evaluated 2018-07-25.

Conditions:
SLC27A5-related disorder. Also called: SLC27A5-related condition.

Allele frequency attached by ClinVar (database versions not stated): gnomAD 0.00013 and 0.00014; TOPMed 0.00013; gnomAD exomes 0.00018 and 0.00025; ExAC 0.00023; ESP Exome Variant Server 0.00023.
gnomAD v4.1: 379 of 1,613,892 alleles (0.023%); highest among the groups gnomAD compares: Non-Finnish European, 0.03%; no homozygotes.

Submissions (2):

Eurofins Ntd Llc (ga)
Classification: Uncertain significance. Last evaluated: 2018-07-25. Review status: criteria provided, single submitter. Criteria: EGL ClinVar v180209 classification definitions. Collection method: clinical testing. Allele origin: germline. Observed: 1 variant allele, 1 heterozygote.

PreventionGenetics, part of Exact Sciences
Classification: Likely benign for SLC27A5-related condition. Last evaluated: 2021-06-18. Review status: no assertion criteria provided. Collection method: clinical testing. Allele origin: germline. Not counted in ClinVar's aggregate classification.
Comment: This variant is classified as likely benign based on ACMG/AMP sequence variant interpretation guidelines (Richards et al. 2015 PMID: 25741868, with internal and published modifications).